The following is an entry in ClinVar:

ClinVar aggregate classification (germline): Uncertain significance. Review status: criteria provided, multiple submitters, no conflicts (2 of 4 stars). 2 submissions from 2 submitters: Uncertain significance (2). Last evaluated 2025-12-28.

Conditions:
Long QT syndrome (LQTS). Identifiers: MedGen C0023976, MeSH D008133, MONDO:0002442. Disease mechanism: loss of function. Inheritance: Various modes of inheritance.
Cardiovascular phenotype. Identifiers: MedGen CN230736.

Allele frequency attached by ClinVar (database versions not stated): gnomAD exomes 0.00001; TOPMed 0.00002; gnomAD 0.00003.
gnomAD v4.1: 14 of 1,612,772 alleles (0.00087%); highest among the groups gnomAD compares: Admixed American, 0.005%; no homozygotes.

Submissions (2):

Labcorp Genetics (formerly Invitae), Labcorp
Classification: Uncertain significance for Long QT syndrome. Last evaluated: 2025-12-28. Review status: criteria provided, single submitter. Criteria: Invitae Variant Classification Sherloc (09022015). Collection method: clinical testing. Allele origin: germline.
Comment: This sequence change replaces arginine, which is basic and polar, with cysteine, which is neutral and slightly polar, at codon 1902 of the AKAP9 protein (p.Arg1902Cys). This variant is present in population databases (no rsID available, gnomAD 0.004%). This variant has not been reported in the literature in individuals affected with AKAP9-related conditions. ClinVar contains an entry for this variant (Variation ID: 2085299). An algorithm developed to predict the effect of missense changes on protein structure and function (PolyPhen-2) suggests that this variant is likely to be disruptive. In summary, the available evidence is currently insufficient to determine the role of this variant in disease. Therefore, it has been classified as a Variant of Uncertain Significance.

Ambry Genetics
Classification: Uncertain significance for Cardiovascular phenotype. Last evaluated: 2024-05-26. Review status: criteria provided, single submitter. Criteria: Ambry Variant Classification Scheme 2023. Collection method: clinical testing. Allele origin: germline.
Comment: The p.R1902C variant (also known as c.5704C>T), located in coding exon 23 of the AKAP9 gene, results from a C to T substitution at nucleotide position 5704. The arginine at codon 1902 is replaced by cysteine, an amino acid with highly dissimilar properties. This amino acid position is highly conserved in available vertebrate species. In addition, this alteration is predicted to be tolerated by in silico analysis. The evidence for this gene-disease relationship is limited; therefore, the clinical significance of this alteration is unclear.

NM_005751.5(AKAP9):c.5704C>T (p.Arg1902Cys)

Gene: AKAP9 (A-kinase anchoring protein 9; plus strand). Cytogenetic location: 7q21.2.
Variant type: single nucleotide variant.
Coding change: c.5704C>T on transcript NM_005751.5 (MANE Select); coding-DNA position 5704, C replaced by T.
Protein change: p.Arg1902Cys; replaces arginine 1902 with cysteine.
Molecular consequence: missense variant.
Genome position (GRCh38, 1-based): chr7:92,061,362, C>T. VCF-style: chr7-92061362-C-T. GRCh37 (hg19) VCF-style: chr7-91690676-C-T.
Other names: c.349C>T, p.Arg117Cys (NM_001379277.1); c.5704C>T, p.Arg1902Cys (NM_147185.3); short protein forms R117C, R1902C.
Identifiers: ClinVar variation 2085299 (VCV002085299.5), dbSNP rs1376889041, ClinGen allele CA368131666.
Genomic context (GRCh38, chr7:92,061,362, plus strand): 5'-TCATTTAGACAGAAACAAGAAGCAACAGAGTCCCTTAAGTGCCAAGAGGAACTTCGAGAG[C>T]GCCTTCATGAGGAGTCCAGGGCCAGAGAACAGCTAGCTGTGGAGCTCAGTAAGGCTGAGG-3'
Protein context (NP_005742.4, residues 1892-1912): SLKCQEELRE[Arg1902Cys]LHEESRAREQ